The following is an entry in ClinVar:

ClinVar aggregate classification (germline): Uncertain significance. Review status: criteria provided, multiple submitters, no conflicts (2 of 4 stars). 2 submissions from 2 submitters: Uncertain significance (2). Last evaluated 2025-02-24.

Conditions:
MBD5 associated neurodevelopmental disorder.
Intellectual developmental disorder, autosomal dominant 1. Also called: Intellectual disability, autosomal dominant 1; MBD5 Haploinsufficiency. Identifiers: Orphanet 228402, MedGen C1969562, MONDO:0007974, OMIM 156200.

Allele frequency attached by ClinVar (database versions not stated): TOPMed below 0.00001; gnomAD 0.00001.

Submissions (2):

Labcorp Genetics (formerly Invitae), Labcorp
Classification: Uncertain significance for Intellectual developmental disorder, autosomal dominant 1. Last evaluated: 2025-02-24. Review status: criteria provided, single submitter. Criteria: Invitae Variant Classification Sherloc (09022015). Collection method: clinical testing. Allele origin: germline.
Comment: This sequence change replaces methionine, which is neutral and non-polar, with valine, which is neutral and non-polar, at codon 1123 of the MBD5 protein (p.Met1123Val). This variant is not present in population databases (gnomAD no frequency). This variant has not been reported in the literature in individuals affected with MBD5-related conditions. ClinVar contains an entry for this variant (Variation ID: 373367). Invitae Evidence Modeling of protein sequence and biophysical properties (such as structural, functional, and spatial information, amino acid conservation, physicochemical variation, residue mobility, and thermodynamic stability) indicates that this missense variant is not expected to disrupt MBD5 protein function with a negative predictive value of 80%. In summary, the available evidence is currently insufficient to determine the role of this variant in disease. Therefore, it has been classified as a Variant of Uncertain Significance.

GeneDx
Classification: Uncertain significance. Last evaluated: 2016-11-18. Review status: criteria provided, single submitter. Criteria: GeneDx Variant Classification (06012015). Collection method: clinical testing. Allele origin: germline. Affected: yes.
Comment: A variant of uncertain significance has been identified in the MBD5 gene. The c.3367 A>G variant has not been published as a pathogenic variant, nor has it been reported as a benign variant to our knowledge. It was not observed in approximately 6,500 individuals of European and African American ancestry in the NHLBI Exome Sequencing Project, indicating it is not a common benign variant in these populations. Several in-silico splice prediction models predict that c.3367 A>G creates a cryptic donor site in exon 12 which may supplant the natural donor site and lead to abnormal gene splicing. However, in the absence of RNA/functional studies, the actual effect of this sequence change in this individual is unknown. If c.3367 A>G does not affect splicing, it will result in the M1123V missense change. The M1123V variant is a conservative amino acid substitution, which is not likely to impact secondary protein structure as these residues share similar properties. However, this substitution occurs at a position that is conserved across species, and in silico analysis predicts the M1123V variant is probably damaging to the protein structure/function. Based on the currently available information, it is unclear whether this variant is a pathogenic variant or a rare benign variant.

NM_001378120.1(MBD5):c.4066A>G (p.Met1356Val)

Gene: MBD5 (methyl-CpG binding domain protein 5; plus strand). Cytogenetic location: 2q23.1.
Variant type: single nucleotide variant.
Coding change: c.4066A>G on transcript NM_001378120.1 (MANE Select); coding-DNA position 4066, A replaced by G.
Protein change: p.Met1356Val; replaces methionine 1356 with valine.
Molecular consequence: missense variant.
Genome position (GRCh38, 1-based): chr2:148,489,698, A>G. VCF-style: chr2-148489698-A-G. GRCh37 (hg19) VCF-style: chr2-149247267-A-G.
Other names: c.3367A>G, p.Met1123Val (NM_018328.5); short protein forms M1123V, M1356V.
Identifiers: ClinVar variation 373367 (VCV000373367.8), dbSNP rs1057518375, ClinGen allele CA16042347.
Genomic context (GRCh38, chr2:148,489,698, plus strand): 5'-GTCATCACCACTGCAGTCAACAGTACAACTCAGATCAGCCCCATTCCAGCTCTGAGTGCC[A>G]TGAGTGCCTTCACTGCCTCAATTGGTGACCCATTAAATCTCTCCAGTGCTGTCAGTGCGG-3'
Protein context (NP_001365049.1, residues 1346-1366): QISPIPALSA[Met1356Val]SAFTASIGDP